The following is an entry in ClinVar:

NM_001563.4(IMPG1):c.1348T>C (p.Phe450Leu)

Gene: IMPG1 (interphotoreceptor matrix proteoglycan 1; minus strand). Cytogenetic location: 6q14.1.
Variant type: single nucleotide variant.
Coding change: c.1348T>C on transcript NM_001563.4 (MANE Select); coding-DNA position 1348, T replaced by C.
Protein change: p.Phe450Leu; replaces phenylalanine 450 with leucine.
Molecular consequence: missense variant.
Genome position (GRCh38, 1-based): chr6:75,951,038, A>G on the plus strand (T>C on the coding strand, the complement: IMPG1 is on the minus strand). VCF-style: chr6-75951038-A-G. GRCh37 (hg19) VCF-style: chr6-76660755-A-G.
Other names: c.1114T>C, p.Phe372Leu (NM_001282368.2); short protein forms F372L, F450L.
Identifiers: ClinVar variation 1035409 (VCV001035409.8), dbSNP rs1782022980, ClinGen allele CA364778160.

ClinVar aggregate classification (germline): Uncertain significance (1 of 4 stars; one submission).

Submission:

Labcorp Genetics (formerly Invitae), Labcorp
Classification: Uncertain significance. Last evaluated: 2022-02-10. Review status: criteria provided, single submitter. Criteria: Invitae Variant Classification Sherloc (09022015). Collection method: clinical testing. Allele origin: germline.
Comment: This sequence change replaces phenylalanine, which is neutral and non-polar, with leucine, which is neutral and non-polar, at codon 450 of the IMPG1 protein (p.Phe450Leu). This variant is not present in population databases (gnomAD no frequency). This variant has not been reported in the literature in individuals affected with IMPG1-related conditions. ClinVar contains an entry for this variant (Variation ID: 1035409). Algorithms developed to predict the effect of missense changes on protein structure and function output the following: SIFT: "Tolerated"; PolyPhen-2: "Benign"; Align-GVGD: "Class C0". The leucine amino acid residue is found in multiple mammalian species, which suggests that this missense change does not adversely affect protein function. In summary, the available evidence is currently insufficient to determine the role of this variant in disease. Therefore, it has been classified as a Variant of Uncertain Significance.